The following is an entry in ClinVar:

ClinVar aggregate classification (germline): Uncertain significance (1 of 4 stars; one submission).

Allele frequency attached by ClinVar (database versions not stated): gnomAD exomes below 0.00001 and 0.00001; ExAC 0.00001; gnomAD 0.00001; TOPMed 0.00001.
gnomAD v4.1: 3 of 1,588,814 alleles (0.00019%); highest among the groups gnomAD compares: Non-Finnish European, 0.00026%; no homozygotes.

Submission:

Labcorp Genetics (formerly Invitae), Labcorp
Classification: Uncertain significance. Last evaluated: 2022-08-23. Review status: criteria provided, single submitter. Criteria: Invitae Variant Classification Sherloc (09022015). Collection method: clinical testing. Allele origin: germline.
Comment: In summary, the available evidence is currently insufficient to determine the role of this variant in disease. Therefore, it has been classified as a Variant of Uncertain Significance. Algorithms developed to predict the effect of missense changes on protein structure and function are either unavailable or do not agree on the potential impact of this missense change (SIFT: "Deleterious"; PolyPhen-2: "Not Available"; Align-GVGD: "Class C0"). ClinVar contains an entry for this variant (Variation ID: 1477561). This variant has not been reported in the literature in individuals affected with PCLO-related conditions. This variant is present in population databases (rs759531453, gnomAD 0.0009%). This sequence change replaces leucine, which is neutral and non-polar, with phenylalanine, which is neutral and non-polar, at codon 5095 of the PCLO protein (p.Leu5095Phe).

NM_033026.6(PCLO):c.15283C>T (p.Leu5095Phe)

Gene: PCLO (piccolo presynaptic cytomatrix protein; minus strand). Cytogenetic location: 7q21.11.
Variant type: single nucleotide variant.
Coding change: c.15283C>T on transcript NM_033026.6 (MANE Select); coding-DNA position 15283, C replaced by T.
Protein change: p.Leu5095Phe; replaces leucine 5095 with phenylalanine.
Molecular consequence: missense variant.
Genome position (GRCh38, 1-based): chr7:82,760,644, G>A on the plus strand (C>T on the coding strand, the complement: PCLO is on the minus strand). VCF-style: chr7-82760644-G-A. GRCh37 (hg19) VCF-style: chr7-82389960-G-A.
Other names: short protein forms L5095F.
Identifiers: ClinVar variation 1477561 (VCV001477561.6), dbSNP rs759531453, ClinGen allele CA4318576.